The following is an entry in ClinVar:

ClinVar aggregate classification (germline): Uncertain significance (1 of 4 stars; one submission).

Conditions:
Cerebral creatine deficiency syndrome. Also called: Creatine deficiency syndromes. Identifiers: Orphanet 79172, MedGen C5244016, MONDO:0000456.

Allele frequency attached by ClinVar (database versions not stated): gnomAD exomes below 0.00001 and 0.00001; ExAC 0.00001.
gnomAD v4.1: 2 of 1,611,294 alleles (0.00012%); highest among the groups gnomAD compares: African/African-American, 0.0013%; no homozygotes.

Submission:

Labcorp Genetics (formerly Invitae), Labcorp
Classification: Uncertain significance for Cerebral creatine deficiency syndrome. Last evaluated: 2022-10-17. Review status: criteria provided, single submitter. Criteria: Invitae Variant Classification Sherloc (09022015). Collection method: clinical testing. Allele origin: germline.
Comment: This sequence change replaces methionine, which is neutral and non-polar, with isoleucine, which is neutral and non-polar, at codon 212 of the GAMT protein (p.Met212Ile). This variant is present in population databases (rs769713716, gnomAD 0.006%). This variant has not been reported in the literature in individuals affected with GAMT-related conditions. ClinVar contains an entry for this variant (Variation ID: 1433821). Advanced modeling of protein sequence and biophysical properties (such as structural, functional, and spatial information, amino acid conservation, physicochemical variation, residue mobility, and thermodynamic stability) performed at Invitae indicates that this missense variant is not expected to disrupt GAMT protein function. In summary, the available evidence is currently insufficient to determine the role of this variant in disease. Therefore, it has been classified as a Variant of Uncertain Significance.

NM_000156.6(GAMT):c.636G>A (p.Met212Ile)

Gene: GAMT (guanidinoacetate N-methyltransferase; minus strand). Cytogenetic location: 19p13.3.
Variant type: single nucleotide variant.
Coding change: c.636G>A on transcript NM_000156.6 (MANE Select); coding-DNA position 636, G replaced by A.
Protein change: p.Met212Ile; replaces methionine 212 with isoleucine.
Molecular consequence: missense variant.
Genome position (GRCh38, 1-based): chr19:1,397,434, C>T on the plus strand (G>A on the coding strand, the complement: GAMT is on the minus strand). VCF-style: chr19-1397434-C-T. GRCh37 (hg19) VCF-style: chr19-1397433-C-T.
Other names: short protein forms M212I.
Identifiers: ClinVar variation 1433821 (VCV001433821.5), dbSNP rs769713716, ClinGen allele CA9043548.
Genomic context (GRCh38, chr19:1,397,434, plus strand): 5'-CAGGGGCGTGATCATCTGTGGGAAGGCGTAGTAGCGGCAGTCGGCCGGTGGGACCAGCGC[C>T]ATCACCTCCGTACGGATGTTCTCCCTCCGGAAGCCGGCCTCCAGCAGCGCGGGCACCTGC-3'
Protein context (NP_000147.1, residues 202-222): FRRENIRTEV[Met212Ile]ALVPPADCRY